The following is an entry in ClinVar:

ClinVar aggregate classification (germline): Likely benign (1 of 4 stars; one submission).

gnomAD v4.1: 1 of 1,394,252 alleles (0.000072%); no homozygotes.

Submission:

GeneDx
Classification: Likely benign. Last evaluated: 2016-12-02. Review status: criteria provided, single submitter. Criteria: GeneDx Variant Classification (06012015). Collection method: clinical testing. Allele origin: germline. Affected: yes.
Comment: This variant is considered likely benign or benign based on one or more of the following criteria: it is a conservative change, it occurs at a poorly conserved position in the protein, it is predicted to be benign by multiple in silico algorithms, and/or has population frequency not consistent with disease.

NM_001127222.2(CACNA1A):c.-42C>A

Gene: CACNA1A (calcium voltage-gated channel subunit alpha1 A; minus strand). Cytogenetic location: 19p13.13.
Variant type: single nucleotide variant.
Coding change: c.-42C>A on transcript NM_001127222.2 (MANE Select); 42 bases upstream of the start codon, C replaced by A.
Molecular consequence: 5 prime UTR variant.
Genome position (GRCh38, 1-based): chr19:13,506,266, G>T on the plus strand (C>A on the coding strand, the complement: CACNA1A is on the minus strand). VCF-style: chr19-13506266-G-T. GRCh37 (hg19) VCF-style: chr19-13617080-G-T.
Other names: c.-42C>A (NM_000068.4, NM_001127221.2, NM_001174080.2 and 1 more transcripts).
Identifiers: ClinVar variation 373623 (VCV000373623.1), dbSNP rs1057518510, ClinGen allele CA16043085.
Genomic context (GRCh38, chr19:13,506,266, plus strand): 5'-CGTCTCCGAAGCGGGCCATTCTGCAAAGAGCAAAGGGCTCCGGGTTACGCTGCGGCGAAC[G>T]ATGCGGAAGACGCCGCCGCCGCCGCCGCCGCCGCTGATGCTGAGGCTGCCGGGGCTGGGA-3'